The following is an entry in ClinVar:

ClinVar aggregate classification (germline): Uncertain significance. Review status: criteria provided, multiple submitters, no conflicts (2 of 4 stars). 2 submissions from 2 submitters: Uncertain significance (2). Last evaluated 2025-05-13.

Conditions:
Mitochondrial complex II deficiency, nuclear type 1. Also called: SUCCINATE CoQ REDUCTASE DEFICIENCY. Identifiers: Orphanet 3208, MedGen C5700310, MONDO:0100294, OMIM 252011.
Pheochromocytoma/paraganglioma syndrome 5. Also called: Paragangliomas 5; SDHA-Related Hereditary Paraganglioma-Pheochromocytoma Syndrome. Identifiers: Orphanet 29072, MedGen C3279992, MONDO:0013602, OMIM 614165.
Hereditary cancer-predisposing syndrome. Also called: Neoplastic Syndromes, Hereditary; Hereditary Cancer Syndrome; Hereditary neoplastic syndrome; Tumor predisposition. Identifiers: Orphanet 140162, MedGen C0027672, MeSH D009386, MONDO:0015356.

Allele frequency attached by ClinVar (database versions not stated): gnomAD exomes below 0.00001.
gnomAD v4.1: 1 of 1,614,232 alleles (0.000062%); highest among the groups gnomAD compares: Non-Finnish European, 0.000085%; no homozygotes.

Submissions (2):

Labcorp Genetics (formerly Invitae), Labcorp
Classification: Uncertain significance for Pheochromocytoma/paraganglioma syndrome 5; Mitochondrial complex II deficiency, nuclear type 1. Last evaluated: 2025-05-13. Review status: criteria provided, single submitter. Criteria: Invitae Variant Classification Sherloc (09022015). Collection method: clinical testing. Allele origin: germline.
Comment: This sequence change replaces methionine, which is neutral and non-polar, with valine, which is neutral and non-polar, at codon 327 of the SDHA protein (p.Met327Val). This variant is present in population databases (no rsID available, gnomAD 0.0009%). This variant has not been reported in the literature in individuals affected with SDHA-related conditions. ClinVar contains an entry for this variant (Variation ID: 1524277). Invitae Evidence Modeling of protein sequence and biophysical properties (such as structural, functional, and spatial information, amino acid conservation, physicochemical variation, residue mobility, and thermodynamic stability) indicates that this missense variant is not expected to disrupt SDHA protein function with a negative predictive value of 95%. In summary, the available evidence is currently insufficient to determine the role of this variant in disease. Therefore, it has been classified as a Variant of Uncertain Significance.

Ambry Genetics
Classification: Uncertain significance for Hereditary cancer-predisposing syndrome. Last evaluated: 2022-08-22. Review status: criteria provided, single submitter. Criteria: Ambry Variant Classification Scheme 2023. Collection method: clinical testing. Allele origin: germline.
Comment: The p.M327V variant (also known as c.979A>G), located in coding exon 8 of the SDHA gene, results from an A to G substitution at nucleotide position 979. The methionine at codon 327 is replaced by valine, an amino acid with highly similar properties. This amino acid position is conserved. In addition, this alteration is predicted to be deleterious by in silico analysis. Since supporting evidence is limited at this time, the clinical significance of this alteration remains unclear.

NM_004168.4(SDHA):c.979A>G (p.Met327Val)

Gene: SDHA (succinate dehydrogenase complex flavoprotein subunit A; plus strand). Cytogenetic location: 5p15.33.
Variant type: single nucleotide variant.
Coding change: c.979A>G on transcript NM_004168.4 (MANE Select); coding-DNA position 979, A replaced by G.
Protein change: p.Met327Val; replaces methionine 327 with valine.
Molecular consequence: missense variant.
Genome position (GRCh38, 1-based): chr5:233,560, A>G. VCF-style: chr5-233560-A-G. GRCh37 (hg19) VCF-style: chr5-233675-A-G.
Other names: c.835A>G, p.Met279Val (NM_001294332.2); c.979A>G, p.Met327Val (NM_001330758.2); short protein forms M327V, M279V.
Identifiers: ClinVar variation 1524277 (VCV001524277.10), dbSNP rs1285443776, ClinGen allele CA359012760.